The following is an entry in ClinVar:

ClinVar aggregate classification (germline): Likely benign. Review status: criteria provided, multiple submitters, no conflicts (2 of 4 stars). 3 submissions from 3 submitters: Likely benign (3). Last evaluated 2026-02-01.

Allele frequency attached by ClinVar (database versions not stated): ESP Exome Variant Server 0.00015; gnomAD exomes 0.00069 and 0.00160; ExAC 0.00072; TOPMed 0.00077; gnomAD 0.00082 and 0.00084.
gnomAD v4.1: 2,396 of 1,613,870 alleles (0.15%); highest among the groups gnomAD compares: Non-Finnish European, 0.2%; 9 homozygotes.

Submissions (3):

CeGaT Center for Human Genetics Tuebingen
Classification: Likely benign. Last evaluated: 2026-02-01. Review status: criteria provided, single submitter. Criteria: CeGaT Center For Human Genetics Tuebingen Variant Classification Criteria Version 2. Collection method: clinical testing. Allele origin: germline. Affected: yes. Observed: 11 variant alleles.
Comment: CUX1: BP4, BP7

Blueprint Genetics
Classification: Likely benign. Last evaluated: 2024-11-20. Review status: criteria provided, single submitter. Criteria: ACMG Guidelines, 2015. Collection method: clinical testing. Allele origin: germline.

Breakthrough Genomics
Classification: Likely benign. Review status: criteria provided, single submitter. Criteria: ACMG Guidelines, 2015. Collection method: not provided. Allele origin: germline. Inheritance: Autosomal dominant inheritance. Affected: yes.

NM_181552.4(CUX1):c.3369C>T (p.Ser1123=)

Gene: CUX1 (cut like homeobox 1; plus strand). Cytogenetic location: 7q22.1.
Variant type: single nucleotide variant.
Coding change: c.3369C>T on transcript NM_181552.4 (MANE Select); coding-DNA position 3369, C replaced by T.
Protein change: p.Ser1123=; no amino-acid change (serine 1123 retained).
Molecular consequence: synonymous variant. On other transcripts: intron variant (5).
Genome position (GRCh38, 1-based): chr7:102,227,605, C>T. VCF-style: chr7-102227605-C-T. GRCh37 (hg19) VCF-style: chr7-101870885-C-T.
Other names: c.1138+32002C>T (NM_001202546.3); c.3402C>T, p.Ser1134= (NM_001202543.2); c.1255+32002C>T (NM_001913.5); c.1249+32002C>T (NM_181500.4); c.1117+32002C>T (NM_001202545.3); c.1207+32002C>T (NM_001202544.3).
Identifiers: ClinVar variation 1676074 (VCV001676074.35), dbSNP rs144839021, ClinGen allele CA4411317.
Genomic context (GRCh38, chr7:102,227,605, plus strand): 5'-AACCCCGCTGCCTCTCTCCGGACACTCGGCCCTCAGCATCCAAGAATTAGTAGCCATGTC[C>T]CCGGAGCTGGACACCTACGGCATAACCAAGCGGGTGAAGGAGGTGCTGACGGACAACAAC-3'
Protein context (NP_853530.2, residues 1113-1133): ALSIQELVAM[Ser1123=]PELDTYGITK